The following is an entry in ClinVar:

NM_005027.4(PIK3R2):c.1775A>G (p.Asn592Ser)

Genes: PIK3R2 (phosphoinositide-3-kinase regulatory subunit 2; plus strand), LOC130063980 (ATAC-STARR-seq lymphoblastoid active region 14302; plus strand). Cytogenetic location: 19p13.11.
Variant type: single nucleotide variant.
Coding change: c.1775A>G on transcript NM_005027.4 (MANE Select); coding-DNA position 1775, A replaced by G.
Protein change: p.Asn592Ser; replaces asparagine 592 with serine.
Molecular consequence: missense variant. On other transcripts: non-coding transcript variant (2).
Genome position (GRCh38, 1-based): chr19:18,168,513, A>G. VCF-style: chr19-18168513-A-G. GRCh37 (hg19) VCF-style: chr19-18279323-A-G.
Other names: short protein forms N592S.
Identifiers: ClinVar variation 1984794 (VCV001984794.6), dbSNP rs2513572321, ClinGen allele CA404814749.

ClinVar aggregate classification (germline): Uncertain significance. Review status: criteria provided, multiple submitters, no conflicts (2 of 4 stars). 2 submissions from 2 submitters: Uncertain significance (2). Last evaluated 2026-07-01.

Conditions:
Megalencephaly-polymicrogyria-postaxial polydactyly-hydrocephalus syndrome. Also called: MEG-PMG-MEGACC SYNDROME; MPPH Syndrome. Identifiers: Orphanet 83473, MedGen C1863924, MONDO:0019375.

Submissions (2):

CeGaT Center for Human Genetics Tuebingen
Classification: Uncertain significance. Last evaluated: 2026-07-01. Review status: criteria provided, single submitter. Criteria: CeGaT Center For Human Genetics Tuebingen Variant Classification Criteria Version 2. Collection method: clinical testing. Allele origin: germline. Affected: yes. Observed: 1 variant allele.
Comment: PIK3R2: PM2, BP4

Labcorp Genetics (formerly Invitae), Labcorp
Classification: Uncertain significance for Megalencephaly-polymicrogyria-postaxial polydactyly-hydrocephalus syndrome. Last evaluated: 2024-10-26. Review status: criteria provided, single submitter. Criteria: Invitae Variant Classification Sherloc (09022015). Collection method: clinical testing. Allele origin: germline.
Comment: This sequence change replaces asparagine, which is neutral and polar, with serine, which is neutral and polar, at codon 592 of the PIK3R2 protein (p.Asn592Ser). This variant is not present in population databases (gnomAD no frequency). This variant has not been reported in the literature in individuals affected with PIK3R2-related conditions. ClinVar contains an entry for this variant (Variation ID: 1984794). Invitae Evidence Modeling of protein sequence and biophysical properties (such as structural, functional, and spatial information, amino acid conservation, physicochemical variation, residue mobility, and thermodynamic stability) indicates that this missense variant is not expected to disrupt PIK3R2 protein function with a negative predictive value of 80%. In summary, the available evidence is currently insufficient to determine the role of this variant in disease. Therefore, it has been classified as a Variant of Uncertain Significance.